The following is an entry in ClinVar:

NM_004364.5(CEBPA):c.655C>G (p.His219Asp)

Gene: CEBPA (CCAAT enhancer binding protein alpha; minus strand). Cytogenetic location: 19q13.11.
Variant type: single nucleotide variant.
Coding change: c.655C>G on transcript NM_004364.5 (MANE Select); coding-DNA position 655, C replaced by G.
Protein change: p.His219Asp; replaces histidine 219 with aspartic acid.
Molecular consequence: missense variant.
Genome position (GRCh38, 1-based): chr19:33,301,760, G>C on the plus strand (C>G on the coding strand, the complement: CEBPA is on the minus strand). VCF-style: chr19-33301760-G-C. GRCh37 (hg19) VCF-style: chr19-33792666-G-C.
Other names: c.298C>G, p.His100Asp (NM_001285829.2); c.760C>G, p.His254Asp (NM_001287424.2); c.613C>G, p.His205Asp (NM_001287435.2); short protein forms H100D, H205D, H219D, H254D.
Identifiers: ClinVar variation 4000018 (VCV004000018.1).

ClinVar aggregate classification (germline): Uncertain significance (1 of 4 stars; one submission).

Conditions:
Inborn genetic diseases. Identifiers: MedGen C0950123, MeSH D030342.

Submission:

Ambry Genetics
Classification: Uncertain significance for Inborn genetic diseases. Last evaluated: 2025-05-27. Review status: criteria provided, single submitter. Criteria: Ambry Variant Classification Scheme 2023. Collection method: clinical testing. Allele origin: germline.
Comment: The p.H219D variant (also known as c.655C>G), located in coding exon 1 of the CEBPA gene, results from a C to G substitution at nucleotide position 655. The histidine at codon 219 is replaced by aspartic acid, an amino acid with similar properties. This amino acid position is conserved. In addition, this alteration is predicted to be tolerated by in silico analysis. Based on the available evidence, the clinical significance of this variant remains unclear.